The following is an entry in ClinVar:

NM_002291.3(LAMB1):c.4597A>C (p.Met1533Leu)

Gene: LAMB1 (laminin subunit beta 1; minus strand). Cytogenetic location: 7q31.1.
Variant type: single nucleotide variant.
Coding change: c.4597A>C on transcript NM_002291.3 (MANE Select); coding-DNA position 4597, A replaced by C.
Protein change: p.Met1533Leu; replaces methionine 1533 with leucine.
Molecular consequence: missense variant.
Genome position (GRCh38, 1-based): chr7:107,929,560, T>G on the plus strand (A>C on the coding strand, the complement: LAMB1 is on the minus strand). VCF-style: chr7-107929560-T-G. GRCh37 (hg19) VCF-style: chr7-107570005-T-G.
Other names: short protein forms M1533L.
Identifiers: ClinVar variation 1348745 (VCV001348745.6), dbSNP rs745770178, ClinGen allele CA4434989.

ClinVar aggregate classification (germline): Uncertain significance (1 of 4 stars; one submission).

Allele frequency attached by ClinVar (database versions not stated): ExAC 0.00001; gnomAD exomes 0.00002.

Submission:

Labcorp Genetics (formerly Invitae), Labcorp
Classification: Uncertain significance. Last evaluated: 2025-10-27. Review status: criteria provided, single submitter. Criteria: Invitae Variant Classification Sherloc (09022015). Collection method: clinical testing. Allele origin: germline.
Comment: This sequence change replaces methionine, which is neutral and non-polar, with leucine, which is neutral and non-polar, at codon 1533 of the LAMB1 protein (p.Met1533Leu). This variant is present in population databases (rs745770178, gnomAD 0.01%). This variant has not been reported in the literature in individuals affected with LAMB1-related conditions. ClinVar contains an entry for this variant (Variation ID: 1348745). An algorithm developed to predict the effect of missense changes on protein structure and function (PolyPhen-2) suggests that this variant is likely to be tolerated. In summary, the available evidence is currently insufficient to determine the role of this variant in disease. Therefore, it has been classified as a Variant of Uncertain Significance.